The following is an entry in ClinVar:

ClinVar aggregate classification (germline): Uncertain significance (1 of 4 stars; one submission).

Conditions:
Inborn genetic diseases. Identifiers: MedGen C0950123, MeSH D030342.

Submission:

Ambry Genetics
Classification: Uncertain significance for Inborn genetic diseases. Last evaluated: 2024-09-21. Review status: criteria provided, single submitter. Criteria: Ambry Variant Classification Scheme 2023. Collection method: clinical testing. Allele origin: germline.
Comment: The p.L49V variant (also known as c.145C>G), located in coding exon 1 of the PIK3CA gene, results from a C to G substitution at nucleotide position 145. The leucine at codon 49 is replaced by valine, an amino acid with highly similar properties. This amino acid position is conserved. In addition, this alteration is predicted to be deleterious by in silico analysis. Based on the available evidence, the clinical significance of this variant remains unclear.

NM_006218.4(PIK3CA):c.145C>G (p.Leu49Val)

Gene: PIK3CA (phosphatidylinositol-4,5-bisphosphate 3-kinase catalytic subunit alpha; plus strand). Cytogenetic location: 3q26.32.
Variant type: single nucleotide variant.
Coding change: c.145C>G on transcript NM_006218.4 (MANE Select); coding-DNA position 145, C replaced by G.
Protein change: p.Leu49Val; replaces leucine 49 with valine.
Molecular consequence: missense variant.
Genome position (GRCh38, 1-based): chr3:179,198,970, C>G. VCF-style: chr3-179198970-C-G. GRCh37 (hg19) VCF-style: chr3-178916758-C-G.
Other names: short protein forms L49V.
Identifiers: ClinVar variation 3418531 (VCV003418531.1).
Genomic context (GRCh38, chr3:179,198,970, plus strand): 5'-GGAATGATAGTGACTTTAGAATGCCTCCGTGAGGCTACATTAATAACCATAAAGCATGAA[C>G]TATTTAAAGAAGCAAGAAAATACCCCCTCCATCAACTTCTTCAAGATGAATCTTCTTACA-3'
Protein context (NP_006209.2, residues 39-59): EATLITIKHE[Leu49Val]FKEARKYPLH